The following is an entry in ClinVar:

NM_000038.6(APC):c.8469A>G (p.Thr2823=)

Gene: APC (APC regulator of Wnt signaling pathway; plus strand). Cytogenetic location: 5q22.2.
Variant type: single nucleotide variant.
Coding change: c.8469A>G on transcript NM_000038.6 (MANE Select); coding-DNA position 8469, A replaced by G.
Protein change: p.Thr2823=; no amino-acid change (threonine 2823 retained).
Molecular consequence: synonymous variant. On other transcripts: non-coding transcript variant (2).
Genome position (GRCh38, 1-based): chr5:112,844,063, A>G. VCF-style: chr5-112844063-A-G. GRCh37 (hg19) VCF-style: chr5-112179760-A-G.
Other names: c.8469A>G, p.Thr2823= (NM_001127510.3, NM_001354895.2, NM_001407450.1); c.8415A>G, p.Thr2805= (NM_001127511.3); c.8523A>G, p.Thr2841= (NM_001354896.2, NM_001407447.1, NM_001407448.1 and 1 more transcripts); c.8499A>G, p.Thr2833= (NM_001354897.2); c.8394A>G, p.Thr2798= (NM_001354898.2); c.8385A>G, p.Thr2795= (NM_001354899.2); c.8346A>G, p.Thr2782= (NM_001354900.2); c.8292A>G, p.Thr2764= (NM_001354901.2, NM_001407453.1); and 12 more.
Identifiers: ClinVar variation 2134719 (VCV002134719.6), dbSNP rs2150005928, ClinGen allele CA446211425.

ClinVar aggregate classification (germline): Benign/Likely benign. Review status: criteria provided, multiple submitters, no conflicts (2 of 4 stars). 3 submissions from 3 submitters: Benign (1); Likely benign (2). Last evaluated 2024-04-16.

Conditions:
Hereditary cancer-predisposing syndrome. Also called: Hereditary neoplastic syndrome; Hereditary Cancer Syndrome; Tumor predisposition; Neoplastic Syndromes, Hereditary. Identifiers: Orphanet 140162, MedGen C0027672, MeSH D009386, MONDO:0015356.
Familial adenomatous polyposis 1 (FAP1). Also called: POLYPOSIS, ADENOMATOUS INTESTINAL; FAMILIAL ADENOMATOUS POLYPOSIS 1, ATTENUATED. Identifiers: MedGen C2713442, MONDO:0021056, OMIM 175100. Disease mechanism: loss of function.

Submissions (3):

Myriad Genetics, Inc.
Classification: Benign for Familial adenomatous polyposis 1. Last evaluated: 2024-04-16. Review status: criteria provided, single submitter. Criteria: Myriad Autosomal Dominant, Autosomal Recessive and X-Linked Classification Criteria (2023). Collection method: clinical testing. Allele origin: unknown.
Comment: This variant is considered benign. This variant is a silent/synonymous amino acid change and it is not expected to impact splicing.

Ambry Genetics
Classification: Likely benign for Hereditary cancer-predisposing syndrome. Last evaluated: 2024-01-01. Review status: criteria provided, single submitter. Criteria: Ambry Variant Classification Scheme 2023. Collection method: clinical testing. Allele origin: germline.

Labcorp Genetics (formerly Invitae), Labcorp
Classification: Likely benign for Familial adenomatous polyposis 1. Last evaluated: 2023-03-20. Review status: criteria provided, single submitter. Criteria: Invitae Variant Classification Sherloc (09022015). Collection method: clinical testing. Allele origin: germline.